The following is an entry in ClinVar:

NM_000834.5(GRIN2B):c.2172G>T (p.Gly724=)

Gene: GRIN2B (glutamate ionotropic receptor NMDA type subunit 2B; minus strand). Cytogenetic location: 12p13.1.
Variant type: single nucleotide variant.
Coding change: c.2172G>T on transcript NM_000834.5 (MANE Select); coding-DNA position 2172, G replaced by T.
Protein change: p.Gly724=; no amino-acid change (glycine 724 retained).
Molecular consequence: synonymous variant.
Genome position (GRCh38, 1-based): chr12:13,570,017, C>A on the plus strand (G>T on the coding strand, the complement: GRIN2B is on the minus strand). VCF-style: chr12-13570017-C-A. GRCh37 (hg19) VCF-style: chr12-13722951-C-A.
Identifiers: ClinVar variation 1175175 (VCV001175175.5), dbSNP rs200813905, ClinGen allele CA478704213.
Genomic context (GRCh38, chr12:13,570,017, plus strand): 5'-TTCATCTCTGCCTGCCATATAGTTCAGCACTGCTGCATCATAGATGAAGGCATCCAGTTT[C>A]CTGTACAGGAAAAAAGCAAACAAATCCAATGGAGGAATTTTAGAACAAAACTACCTGTGG-3'
Protein context (NP_000825.2, residues 714-734): VDDALLSLKT[Gly724=]KLDAFIYDAA

ClinVar aggregate classification (germline): Uncertain significance. Review status: criteria provided, single submitter (1 of 4 stars). 3 submissions from 3 submitters: Uncertain significance (1). 2 of the submissions do not count toward it. Last evaluated 2025-10-28.

Conditions:
Intellectual developmental disorder, autosomal dominant 6, with or without seizures. Also called: Intellectual disability, autosomal dominant 6; GRIN2B-related developmental delay, intellectual disability and autism spectrum disorder. Identifiers: Orphanet 589547, MedGen C3151411, MONDO:0013509, OMIM 613970.
Developmental and epileptic encephalopathy, 27 (DEE27). Also called: Epileptic encephalopathy, early infantile, 27; GRIN2B-Related Neurodevelopmental Disorder. Identifiers: Orphanet 3451, MedGen C4015316, MONDO:0014505, OMIM 616139.

Submissions (3):

Labcorp Genetics (formerly Invitae), Labcorp
Classification: Uncertain significance for Developmental and epileptic encephalopathy, 27; Intellectual developmental disorder, autosomal dominant 6, with or without seizures. Last evaluated: 2025-10-28. Review status: criteria provided, single submitter. Criteria: Invitae Variant Classification Sherloc (09022015). Collection method: clinical testing. Allele origin: germline.
Comment: This sequence change affects codon 724 of the GRIN2B mRNA. It is a 'silent' change, meaning that it does not change the encoded amino acid sequence of the GRIN2B protein. It affects a nucleotide within the consensus splice site. This variant is not present in population databases (gnomAD no frequency). This variant has not been reported in the literature in individuals affected with GRIN2B-related conditions. ClinVar contains an entry for this variant (Variation ID: 1175175). Algorithms developed to predict the effect of sequence changes on RNA splicing suggest that this variant is not likely to affect RNA splicing. In summary, the available evidence is currently insufficient to determine the role of this variant in disease. Therefore, it has been classified as a Variant of Uncertain Significance.

Diagnostic Laboratory, Department of Genetics, University Medical Center Groningen
Classification: Likely benign. Review status: no assertion criteria provided. Collection method: clinical testing. Allele origin: germline. Affected: yes. Study: VKGL Data-share Consensus. Not counted in ClinVar's aggregate classification.

Laboratory of Diagnostic Genome Analysis, Leiden University Medical Center (LUMC)
Classification: Likely benign. Review status: no assertion criteria provided. Collection method: clinical testing. Allele origin: germline. Affected: yes. Study: VKGL Data-share Consensus. Not counted in ClinVar's aggregate classification.